The following is an entry in ClinVar:

ClinVar aggregate classification (germline): Uncertain significance (1 of 4 stars; one submission).

Allele frequency attached by ClinVar (database versions not stated): gnomAD 0.00001; TOPMed 0.00001; ESP Exome Variant Server 0.00008; 1000 Genomes Project 30x 0.00016; gnomAD exomes below 0.00001.
gnomAD v4.1: 3 of 1,613,324 alleles (0.00019%); highest among the groups gnomAD compares: Non-Finnish European, 0.00025%; no homozygotes.

Submission:

GeneDx
Classification: Uncertain significance. Last evaluated: 2017-03-03. Review status: criteria provided, single submitter. Criteria: GeneDx Variant Classification (06012015). Collection method: clinical testing. Allele origin: germline. Affected: yes.
Comment: The R385W variant in the GLI2 gene has not been reported previously as a pathogenic variant, nor as a benign variant, to our knowledge. The R385W variant is not observed in large population cohorts (Lek et al., 2016; 1000 Genomes Consortium et al., 2015; Exome Variant Server). The R385W variant is a non-conservative amino acid substitution, which is likely to impact secondary protein structure as these residues differ in polarity, charge, size and/or other properties. This substitution occurs at a position that is conserved in mammals. In silico analysis is inconsistent in its predictions as to whether or not the variant is damaging to the protein structure/function. We interpret R385W as a variant of uncertain significance.

NM_001374353.1(GLI2):c.1153C>T (p.Arg385Trp)

Gene: GLI2 (GLI family zinc finger 2; plus strand). Cytogenetic location: 2q14.2.
Variant type: single nucleotide variant.
Coding change: c.1153C>T on transcript NM_001374353.1 (MANE Select); coding-DNA position 1153, C replaced by T.
Protein change: p.Arg385Trp; replaces arginine 385 with tryptophan.
Molecular consequence: missense variant.
Genome position (GRCh38, 1-based): chr2:120,972,034, C>T. VCF-style: chr2-120972034-C-T. GRCh37 (hg19) VCF-style: chr2-121729610-C-T.
Other names: c.1153C>T, p.Arg385Trp (NM_001371271.1, NM_005270.5); c.778C>T, p.Arg260Trp (NM_001374354.1); short protein forms R385W, R260W.
Identifiers: ClinVar variation 424100 (VCV000424100.2), dbSNP rs137925421, ClinGen allele CA16617228.